The following is an entry in ClinVar:

ClinVar aggregate classification (germline): Pathogenic (1 of 4 stars; one submission).

Conditions:
Usher syndrome type 1F (USH1F). Also called: USHER SYNDROME, TYPE IF. Identifiers: Orphanet 231169, Orphanet 886, MedGen C1865885, MONDO:0011186, OMIM 602083.

Submission:

Myriad Genetics, Inc.
Classification: Pathogenic for Usher syndrome type 1F. Last evaluated: 2026-05-26. Review status: criteria provided, single submitter. Criteria: Myriad Autosomal Dominant, Autosomal Recessive and X-Linked Classification Criteria (2023). Collection method: clinical testing. Allele origin: unknown.
Comment: NM_033056.3(PCDH15):c.2041delA(T681Lfs*6) is expected to be pathogenic in the context of PCDH15-related disorders. This variant is predicted to lead to an abnormal or absent protein product due to the creation of a premature termination codon in PCDH15, a gene where loss-of-function variants are known to be pathogenic. Please note: this variant was assessed in the context of healthy population screening.

NM_001384140.1(PCDH15):c.2041del (p.Thr681fs)

Gene: PCDH15 (protocadherin related 15; minus strand). Cytogenetic location: 10q21.1.
Variant type: Deletion.
Coding change: c.2041del on transcript NM_001384140.1 (MANE Select); coding-DNA position 2041, one base deleted (A; older notation c.2041delA).
Protein change: p.Thr681fs; shifts the reading frame from threonine 681.
Molecular consequence: frameshift variant.
Genome position (GRCh38, 1-based): chr10:54,079,381, T deleted on the plus strand (A on the coding strand, the reverse complement: PCDH15 is on the minus strand). VCF-style (leftmost placement, unchanged base first): chr10-54079380-GT-G. GRCh37 (hg19) VCF-style: chr10-55839140-GT-G.
Other names: c.2056del, p.Thr686fs (NM_001142763.2, NM_001142771.2); c.2041del, p.Thr681fs (NM_001142764.2, NM_001142766.2, NM_001142770.3 and 5 more transcripts); c.1828del, p.Thr610fs (NM_001142765.2); c.1930del, p.Thr644fs (NM_001142767.2); c.1975del, p.Thr659fs (NM_001142768.2, NM_001142773.2, NM_001354404.2); c.2077delA, p.Thr693Leufs (NM_001142769.4); c.2062del, p.Thr688fs (NM_001354411.2); short protein forms T610fs, T644fs, T659fs, T681fs, T686fs, T688fs, T693fs.
Identifiers: ClinVar variation 5015956 (VCV005015956.1).